The following is an entry in ClinVar:

NM_000051.4(ATM):c.4255C>T (p.Leu1419Phe)

Gene: ATM (ATM serine/threonine kinase; plus strand). Cytogenetic location: 11q22.3.
Variant type: single nucleotide variant.
Coding change: c.4255C>T on transcript NM_000051.4 (MANE Select); coding-DNA position 4255, C replaced by T.
Protein change: p.Leu1419Phe; replaces leucine 1419 with phenylalanine.
Molecular consequence: missense variant.
Genome position (GRCh38, 1-based): chr11:108,289,620, C>T. VCF-style: chr11-108289620-C-T. GRCh37 (hg19) VCF-style: chr11-108160347-C-T.
Other names: c.4255C>T, p.Leu1419Phe (NM_001351834.2); short protein forms L1419F.
Identifiers: ClinVar variation 3894453 (VCV003894453.1).

ClinVar aggregate classification (germline): Uncertain significance (1 of 4 stars; one submission).

Conditions:
Hereditary cancer-predisposing syndrome. Also called: Neoplastic Syndromes, Hereditary; Tumor predisposition; Hereditary Cancer Syndrome; Hereditary neoplastic syndrome. Identifiers: Orphanet 140162, MedGen C0027672, MeSH D009386, MONDO:0015356.

Submission:

Color Diagnostics, LLC DBA Color Health
Classification: Uncertain significance for Hereditary cancer-predisposing syndrome. Last evaluated: 2024-02-04. Review status: criteria provided, single submitter. Criteria: ACMG Guidelines, 2015. Collection method: clinical testing. Allele origin: germline.
Comment: This missense variant replaces leucine with phenylalanine at codon 1419 of the ATM protein. Computational prediction suggests that this variant may not impact protein structure and function (internally defined REVEL score threshold <= 0.5, PMID: 27666373). To our knowledge, functional studies have not been reported for this variant. This variant has not been reported in individuals affected with ATM-related disorders in the literature. This variant has not been identified in the general population by the Genome Aggregation Database (gnomAD). The available evidence is insufficient to determine the role of this variant in disease conclusively. Therefore, this variant is classified as a Variant of Uncertain Significance.